The following is an entry in ClinVar:

NM_001376.5(DYNC1H1):c.5002G>A (p.Glu1668Lys)

Gene: DYNC1H1 (dynein cytoplasmic 1 heavy chain 1; plus strand). Cytogenetic location: 14q32.31.
Variant type: single nucleotide variant.
Coding change: c.5002G>A on transcript NM_001376.5 (MANE Select); coding-DNA position 5002, G replaced by A.
Protein change: p.Glu1668Lys; replaces glutamic acid 1668 with lysine.
Molecular consequence: missense variant.
Genome position (GRCh38, 1-based): chr14:102,004,636, G>A. VCF-style: chr14-102004636-G-A. GRCh37 (hg19) VCF-style: chr14-102470973-G-A.
Other names: short protein forms E1668K.
Identifiers: ClinVar variation 583296 (VCV000583296.9), dbSNP rs925942859, ClinGen allele CA266997377.
Genomic context (GRCh38, chr14:102,004,636, plus strand): 5'-GCTAAATTACAGAAACACTTCAAGAAGATGTTTGCTGGAGTTTCGAGCATCATCCTGAAC[G>A]AGGATAACTCTGTTGTTTTGGGTATTTCATCTCGGGAAGGAGAGGAGGTAAATTTATGTT-3'
Protein context (NP_001367.2, residues 1658-1678): FAGVSSIILN[Glu1668Lys]DNSVVLGISS

ClinVar aggregate classification (germline): Uncertain significance (1 of 4 stars; one submission).

Conditions:
Charcot-Marie-Tooth disease axonal type 2O. Also called: Charcot-Marie-Tooth Neuropathy Type 2O; CHARCOT-MARIE-TOOTH NEUROPATHY, AXONAL, TYPE 2O; CHARCOT-MARIE-TOOTH DISEASE, AXONAL, AUTOSOMAL DOMINANT, TYPE 2O; Charcot-Marie-Tooth disease, axonal, type 20. Identifiers: Orphanet 284232, MedGen C3280220, MONDO:0013644, OMIM 614228.

Allele frequency attached by ClinVar (database versions not stated): gnomAD 0.00001 and 0.00002; TOPMed 0.00003.
gnomAD v4.1: 12 of 1,614,090 alleles (0.00074%); highest among the groups gnomAD compares: Non-Finnish European, 0.001%; no homozygotes.

Submission:

Labcorp Genetics (formerly Invitae), Labcorp
Classification: Uncertain significance for Charcot-Marie-Tooth disease axonal type 2O. Last evaluated: 2023-05-22. Review status: criteria provided, single submitter. Criteria: Invitae Variant Classification Sherloc (09022015). Collection method: clinical testing. Allele origin: germline.
Comment: This sequence change replaces glutamic acid, which is acidic and polar, with lysine, which is basic and polar, at codon 1668 of the DYNC1H1 protein (p.Glu1668Lys). This variant is present in population databases (no rsID available, gnomAD 0.0009%). This variant has not been reported in the literature in individuals affected with DYNC1H1-related conditions. ClinVar contains an entry for this variant (Variation ID: 583296). Advanced modeling of protein sequence and biophysical properties (such as structural, functional, and spatial information, amino acid conservation, physicochemical variation, residue mobility, and thermodynamic stability) has been performed at Invitae for this missense variant, however the output from this modeling did not meet the statistical confidence thresholds required to predict the impact of this variant on DYNC1H1 protein function. In summary, the available evidence is currently insufficient to determine the role of this variant in disease. Therefore, it has been classified as a Variant of Uncertain Significance.